The following is an entry in ClinVar:

NM_198060.4(NRAP):c.1171C>T (p.Pro391Ser)

Gene: NRAP (nebulin related anchoring protein; minus strand). Cytogenetic location: 10q25.3.
Variant type: single nucleotide variant.
Coding change: c.1171C>T on transcript NM_198060.4 (MANE Select); coding-DNA position 1171, C replaced by T.
Protein change: p.Pro391Ser; replaces proline 391 with serine.
Molecular consequence: missense variant. On other transcripts: intron variant (1).
Genome position (GRCh38, 1-based): chr10:113,642,978, G>A on the plus strand (C>T on the coding strand, the complement: NRAP is on the minus strand). VCF-style: chr10-113642978-G-A. GRCh37 (hg19) VCF-style: chr10-115402737-G-A.
Other names: c.1171C>T, p.Pro391Ser (NM_001261463.2, NM_001322945.2); c.1111-1506C>T (NM_006175.5); short protein forms P391S.
Identifiers: ClinVar variation 3344492 (VCV003344492.2).

ClinVar aggregate classification (germline): Uncertain significance. Review status: criteria provided, single submitter (1 of 4 stars). 2 submissions from 2 submitters: Uncertain significance (1). 1 of the submissions does not count toward it. Last evaluated 2024-07-25.

Conditions:
NRAP-related disorder. Also called: NRAP-related condition.

gnomAD v4.1: 9 of 1,608,526 alleles (0.00056%); highest among the groups gnomAD compares: East Asian, 0.0089%; no homozygotes.

Submissions (2):

Blueprint Genetics
Classification: Uncertain significance. Last evaluated: 2024-07-25. Review status: criteria provided, single submitter. Criteria: ACMG Guidelines, 2015. Collection method: clinical testing. Allele origin: germline.

PreventionGenetics, part of Exact Sciences
Classification: Uncertain significance for NRAP-related condition. Last evaluated: 2024-08-27. Review status: no assertion criteria provided. Collection method: clinical testing. Allele origin: germline. Not counted in ClinVar's aggregate classification.
Comment: The NRAP c.1171C>T variant is predicted to result in the amino acid substitution p.Pro391Ser. To our knowledge, this variant has not been reported in the literature. This variant is reported in 0.011% of alleles in individuals of East Asian descent in gnomAD. At this time, the clinical significance of this variant is uncertain due to the absence of conclusive functional and genetic evidence.